The following is an entry in ClinVar:

NM_001267550.2(TTN):c.95770del (p.His31924fs)

Genes: TTN (titin; minus strand), TTN-AS1 (TTN antisense RNA 1; plus strand). Cytogenetic location: 2q31.2.
Variant type: Deletion.
Coding change: c.95770del on transcript NM_001267550.2 (MANE Select); coding-DNA position 95770, one base deleted (C; older notation c.95770delC).
Protein change: p.His31924fs; shifts the reading frame from histidine 31924.
Molecular consequence: frameshift variant.
Genome position (GRCh38, 1-based): chr2:178,544,459, G deleted on the plus strand (C on the coding strand, the reverse complement: TTN is on the minus strand). VCF-style (leftmost placement, unchanged base first): chr2-178544458-TG-T. GRCh37 (hg19) VCF-style: chr2-179409185-TG-T.
Other names: c.90847del, p.His30283fs (NM_001256850.1); c.68575del, p.His22859fs (NM_003319.4); c.88066del, p.His29356fs (NM_133378.4); c.68950del, p.His22984fs (NM_133432.3); c.69151del, p.His23051fs (NM_133437.4); c.90847delC (NM_001256850.1); short protein forms H29356fs, H22984fs, H23051fs, H30283fs, H22859fs, H31924fs.
Identifiers: ClinVar variation 202494 (VCV000202494.7), dbSNP rs794729364, ClinGen allele CA309457.

ClinVar aggregate classification (germline): Pathogenic/Likely pathogenic. Review status: criteria provided, multiple submitters, no conflicts (2 of 4 stars). 2 submissions from 2 submitters: Pathogenic (1); Likely pathogenic (1). Last evaluated 2021-11-27.

Conditions:
Dilated cardiomyopathy 1G (CMD1G). Identifiers: Orphanet 154, MedGen C1858763, MONDO:0011400, OMIM 604145.
Autosomal recessive limb-girdle muscular dystrophy type 2J (LGMDR10). Also called: MUSCULAR DYSTROPHY, LIMB-GIRDLE, AUTOSOMAL RECESSIVE 10; Limb-girdle muscular dystrophy, type 2J. Identifiers: Orphanet 140922, MedGen C1837342, MONDO:0012127, OMIM 608807.

Submissions (2):

Labcorp Genetics (formerly Invitae), Labcorp
Classification: Likely pathogenic for Dilated cardiomyopathy 1G; Autosomal recessive limb-girdle muscular dystrophy type 2J. Last evaluated: 2021-11-27. Review status: criteria provided, single submitter. Criteria: Invitae Variant Classification Sherloc (09022015). Collection method: clinical testing. Allele origin: germline.
Comment: This variant is located in the A band of TTN (PMID: 25589632). Truncating variants in this region are significantly overrepresented in patients affected with dilated cardiomyopathy (PMID: 25589632). Truncating variants in this region have also been reported in individuals affected with autosomal recessive centronuclear myopathy (PMID: 23975875). ClinVar contains an entry for this variant (Variation ID: 202494). This variant has not been reported in the literature in individuals affected with TTN-related conditions. This variant is not present in population databases (gnomAD no frequency). This sequence change creates a premature translational stop signal (p.His31924Thrfs*19) in the TTN gene. While this is not anticipated to result in nonsense mediated decay, it is expected to create a truncated TTN protein. In summary, the currently available evidence indicates that the variant is pathogenic, but additional data are needed to prove that conclusively. Therefore, this variant has been classified as Likely Pathogenic.

GeneDx
Classification: Pathogenic. Last evaluated: 2014-05-29. Review status: criteria provided, single submitter. Criteria: GeneDx Variant Classification (06012015). Collection method: clinical testing. Allele origin: germline. Affected: yes.
Comment: c.90847delC: p.His30283ThrfsX19 (H30283TfsX19) in exon 295 of the TTN gene (NM_001256850.1). The normal sequence with the bases that are deleted in braces is: CAAA{C}ACAG. Although the c.90847delC mutation in the TTN gene has not been reported to our knowledge, this mutation causes a shift in reading frame starting at codon Histidine 30283, changing it to a Threonine, and creating a premature stop codon at position 19 of the new reading frame, denoted p.His30283ThrfsX19. This mutation is expected to result in either an abnormal, truncated protein product or loss of protein from this allele through nonsense-mediated mRNA decay. Other truncating TTN variants have been reported in approximately 3% of control alleles (Herman D et al., 2012). However, c.90847delC is located in the A-band region of titin, where the majority of truncating mutations associated with DCM have been reported (Herman D et al., 2012). In summary, c.90847delC in the TTN gene is interpreted as a disease-causing mutation. The variant is found in DCM-CRDM panel(s).

Literature cited by the submitters: PubMed 25589632 (cited by Labcorp Genetics (formerly Invitae), Labcorp); PubMed 23975875 (cited by Labcorp Genetics (formerly Invitae), Labcorp).